The following is an entry in ClinVar:

ClinVar aggregate classification (germline): Likely pathogenic (1 of 4 stars; one submission).

Submission:

Labcorp Genetics (formerly Invitae), Labcorp
Classification: Likely pathogenic. Last evaluated: 2021-04-05. Review status: criteria provided, single submitter. Criteria: Invitae Variant Classification Sherloc (09022015). Collection method: clinical testing. Allele origin: germline.
Comment: This variant has not been reported in the literature in individuals with USH1C-related conditions. This sequence change affects an acceptor splice site in intron 2 of the USH1C gene. It is expected to disrupt RNA splicing. Variants that disrupt the donor or acceptor splice site typically lead to a loss of protein function (PMID: 16199547), and loss-of-function variants in USH1C are known to be pathogenic (PMID: 10973247, 17407589, 20301442, 21203349). This variant is not present in population databases (ExAC no frequency). Algorithms developed to predict the effect of sequence changes on RNA splicing suggest that this variant may disrupt the consensus splice site, but this prediction has not been confirmed by published transcriptional studies. In summary, the currently available evidence indicates that the variant is pathogenic, but additional data are needed to prove that conclusively. Therefore, this variant has been classified as Likely Pathogenic.

Literature cited by the submitters: PubMed 16199547; PubMed 10973247; PubMed 17407589; PubMed 20301442; PubMed 21203349.

NM_153676.4(USH1C):c.105-1G>T

Gene: USH1C (USH1 protein network component harmonin; minus strand). Cytogenetic location: 11p15.1.
Variant type: single nucleotide variant.
Coding change: c.105-1G>T on transcript NM_153676.4 (MANE Select); the canonical splice acceptor site of the intron before coding-DNA position 105, G replaced by T.
Molecular consequence: splice acceptor variant.
Genome position (GRCh38, 1-based): chr11:17,531,543, C>A on the plus strand (G>T on the coding strand, the complement: USH1C is on the minus strand). VCF-style: chr11-17531543-C-A. GRCh37 (hg19) VCF-style: chr11-17553090-C-A.
Other names: c.105-1G>T (NM_001297764.2, NM_005709.4).
Identifiers: ClinVar variation 1491249 (VCV001491249.8), dbSNP rs2133920848, ClinGen allele CA379798949.